The following is an entry in ClinVar:

ClinVar aggregate classification (germline): Uncertain significance. Review status: criteria provided, multiple submitters, no conflicts (2 of 4 stars). 5 submissions from 5 submitters: Uncertain significance (5). Last evaluated 2026-01-10.

Conditions:
Cardiovascular phenotype. Identifiers: MedGen CN230736.
Hypertrophic cardiomyopathy. Also called: HYPERTROPHIC MYOCARDIOPATHY. Identifiers: Orphanet 217569, MedGen C0007194, MeSH D002312, MONDO:0005045, HP:0001639.
Cardiomyopathy (CMYO). Also called: Cardiomyopathies. Identifiers: Orphanet 167848, MedGen C0878544, MONDO:0004994, HP:0001638. Inheritance: Various modes of inheritance.
Lethal congenital glycogen storage disease of heart. Also called: PHOSPHORYLASE KINASE DEFICIENCY OF HEART; GLYCOGEN STORAGE DISEASE OF HEART. Identifiers: Orphanet 439854, MedGen C1849813, MONDO:0009867, OMIM 261740.

Allele frequency attached by ClinVar (database versions not stated): gnomAD exomes 0.00001; TOPMed below 0.00001; gnomAD 0.00001.
gnomAD v4.1: 12 of 1,614,004 alleles (0.00074%); highest among the groups gnomAD compares: Non-Finnish European, 0.00093%; no homozygotes.

Submissions (5):

Ambry Genetics
Classification: Uncertain significance for Cardiovascular phenotype. Last evaluated: 2026-01-10. Review status: criteria provided, single submitter. Criteria: Ambry Variant Classification Scheme 2023. Collection method: clinical testing. Allele origin: germline.
Comment: The p.E565Q variant (also known as c.1693G>C), located in coding exon 16 of the PRKAG2 gene, results from a G to C substitution at nucleotide position 1693. The glutamic acid at codon 565 is replaced by glutamine, an amino acid with highly similar properties. This amino acid position is conserved. In addition, this alteration is predicted to be tolerated by in silico analysis. Based on the available evidence, the clinical significance of this variant remains unclear.

Labcorp Genetics (formerly Invitae), Labcorp
Classification: Uncertain significance for Lethal congenital glycogen storage disease of heart. Last evaluated: 2025-07-06. Review status: criteria provided, single submitter. Criteria: Invitae Variant Classification Sherloc (09022015). Collection method: clinical testing. Allele origin: germline.
Comment: This sequence change replaces glutamic acid, which is acidic and polar, with glutamine, which is neutral and polar, at codon 565 of the PRKAG2 protein (p.Glu565Gln). This variant is present in population databases (rs763331532, gnomAD 0.0009%). This variant has not been reported in the literature in individuals affected with PRKAG2-related conditions. ClinVar contains an entry for this variant (Variation ID: 373297). Invitae Evidence Modeling of protein sequence and biophysical properties (such as structural, functional, and spatial information, amino acid conservation, physicochemical variation, residue mobility, and thermodynamic stability) indicates that this missense variant is not expected to disrupt PRKAG2 protein function with a negative predictive value of 95%. In summary, the available evidence is currently insufficient to determine the role of this variant in disease. Therefore, it has been classified as a Variant of Uncertain Significance.

All of Us Research Program, National Institutes of Health
Classification: Uncertain significance for Hypertrophic cardiomyopathy. Last evaluated: 2024-08-06. Review status: criteria provided, single submitter. Criteria: ACMG Guidelines, 2015. Collection method: clinical testing. Allele origin: germline. Inheritance: Autosomal dominant inheritance. Observed: 2 variant alleles, 2 heterozygotes.
Comment: This missense variant replaces glutamic acid with glutamine at codon 565 of the PRKAG2 protein. Computational prediction suggests that this variant may not impact protein structure and function (internally defined REVEL score threshold <= 0.5, PMID: 27666373). To our knowledge, functional studies have not been reported for this variant. This variant has not been reported in individuals affected with PRKAG2-related disorders in the literature. This variant has not been identified in the general population by the Genome Aggregation Database (gnomAD). The available evidence is insufficient to determine the role of this variant in disease conclusively. Therefore, this variant is classified as a Variant of Uncertain Significance.

This study involves interpretation of variants in research participants for the purpose of population health screening. Participant phenotype was not available at the time of variant classification. Additional details can be found in publication PMID: 35346344, PMCID: PMC8962531

Color Diagnostics, LLC DBA Color Health
Classification: Uncertain significance for Cardiomyopathy. Last evaluated: 2024-03-06. Review status: criteria provided, single submitter. Criteria: ACMG Guidelines, 2015. Collection method: clinical testing. Allele origin: germline.
Comment: This missense variant replaces glutamic acid with glutamine at codon 565 of the PRKAG2 protein. Computational prediction suggests that this variant may not impact protein structure and function (internally defined REVEL score threshold <= 0.5, PMID: 27666373). To our knowledge, functional studies have not been reported for this variant. This variant has not been reported in individuals affected with PRKAG2-related disorders in the literature. This variant has not been identified in the general population by the Genome Aggregation Database (gnomAD). The available evidence is insufficient to determine the role of this variant in disease conclusively. Therefore, this variant is classified as a Variant of Uncertain Significance.

GeneDx
Classification: Uncertain significance. Last evaluated: 2016-11-23. Review status: criteria provided, single submitter. Criteria: GeneDx Variant Classification (06012015). Collection method: clinical testing. Allele origin: germline. Affected: yes.
Comment: The E565Q variant in the PRKAG2 gene has not been reported previously as a pathogenic variant, nor as a benign variant, to our knowledge. The E565Q variant was not observed in approximately 6500 individuals of European and African American ancestry in the NHLBI Exome Sequencing Project, indicating it is not a common benign variant in these populations. The E565Q variant is a semi-conservative amino acid substitution, which may impact secondary protein structure as these residues differ in some properties. This substitution occurs at a position that is conserved across species, however, in silico analysis is inconsistent in its predictions as to whether or not the variant is damaging to the protein structure/function. We interpret E565Q as a variant of uncertain significance.

NM_016203.4(PRKAG2):c.1693G>C (p.Glu565Gln)

Gene: PRKAG2 (protein kinase AMP-activated non-catalytic subunit gamma 2; minus strand). Cytogenetic location: 7q36.1.
Variant type: single nucleotide variant.
Coding change: c.1693G>C on transcript NM_016203.4 (MANE Select); coding-DNA position 1693, G replaced by C.
Protein change: p.Glu565Gln; replaces glutamic acid 565 with glutamine.
Molecular consequence: missense variant.
Genome position (GRCh38, 1-based): chr7:151,557,218, C>G on the plus strand (G>C on the coding strand, the complement: PRKAG2 is on the minus strand). VCF-style: chr7-151557218-C-G. GRCh37 (hg19) VCF-style: chr7-151254304-C-G.
Other names: c.1561G>C, p.Glu521Gln (NM_001040633.2); c.1318G>C, p.Glu440Gln (NM_001304527.2); c.970G>C, p.Glu324Gln (NM_001304531.2, NM_024429.2); c.1321G>C, p.Glu441Gln (NM_001363698.2); short protein forms E565Q, E441Q, E521Q, E324Q, E440Q.
Identifiers: ClinVar variation 373297 (VCV000373297.8), dbSNP rs763331532, ClinGen allele CA056216.